The following is an entry in ClinVar:

NM_000540.3(RYR1):c.336C>T (p.His112=)

Gene: RYR1 (ryanodine receptor 1; plus strand). Cytogenetic location: 19q13.2.
Variant type: single nucleotide variant.
Coding change: c.336C>T on transcript NM_000540.3 (MANE Select); coding-DNA position 336, C replaced by T.
Protein change: p.His112=; no amino-acid change (histidine 112 retained).
Molecular consequence: synonymous variant.
Genome position (GRCh38, 1-based): chr19:38,443,623, C>T. VCF-style: chr19-38443623-C-T. GRCh37 (hg19) VCF-style: chr19-38934263-C-T.
Other names: c.336C>T, p.His112= (NM_001042723.2).
Identifiers: ClinVar variation 3051157 (VCV003051157.2), dbSNP rs1972798665, ClinGen allele CA507239155.
Genomic context (GRCh38, chr19:38,443,623, plus strand): 5'-CCAGGGCGGGGGACACAGGACGCTCCTGTATGGCCATGCCATCCTGCTCCGGCATGCACA[C>T]AGCCGCATGGTGAGTGCAACCTCGGTGGGCGTGGGCAGGGGCCAGGGCATGTGGGGCCTG-3'
Protein context (NP_000531.2, residues 102-122): YGHAILLRHA[His112=]SRMYLSCLTT

ClinVar aggregate classification (germline): Likely benign (0 of 4 stars; one submission).

Conditions:
RYR1-related disorder. Also called: RYR1-related condition; RYR1-related disorders. Identifiers: MedGen CN239331.

Allele frequency attached by ClinVar (database versions not stated): TOPMed below 0.00001; gnomAD 0.00001.
gnomAD v4.1: 1 of 1,614,006 alleles (0.000062%); highest among the groups gnomAD compares: South Asian, 0.0011%; no homozygotes.

Submission:

PreventionGenetics, part of Exact Sciences
Classification: Likely benign for RYR1-related condition. Last evaluated: 2022-08-30. Review status: no assertion criteria provided. Collection method: clinical testing. Allele origin: germline.
Comment: This variant is classified as likely benign based on ACMG/AMP sequence variant interpretation guidelines (Richards et al. 2015 PMID: 25741868, with internal and published modifications).